The following is an entry in ClinVar:

NM_001130682.3(GUCY1A1):c.1462G>A (p.Val488Ile)

Gene: GUCY1A1 (guanylate cyclase 1 soluble subunit alpha 1; plus strand). Cytogenetic location: 4q32.1.
Variant type: single nucleotide variant.
Coding change: c.1462G>A on transcript NM_001130682.3 (MANE Select); coding-DNA position 1462, G replaced by A.
Protein change: p.Val488Ile; replaces valine 488 with isoleucine.
Molecular consequence: missense variant.
Genome position (GRCh38, 1-based): chr4:155,713,473, G>A. VCF-style: chr4-155713473-G-A. GRCh37 (hg19) VCF-style: chr4-156634625-G-A.
Other names: c.1462G>A, p.Val488Ile (NM_000856.6, NM_001130683.4, NM_001130684.3 and 12 more transcripts); c.757G>A, p.Val253Ile (NM_001130685.3, NM_001440518.1); c.955G>A, p.Val319Ile (NM_001379676.1); short protein forms V253I, V488I, V319I.
Identifiers: ClinVar variation 4738907 (VCV004738907.1).

ClinVar aggregate classification (germline): Uncertain significance (1 of 4 stars; one submission).

gnomAD v4.1: 22 of 1,614,052 alleles (0.0014%); highest among the groups gnomAD compares: African/African-American, 0.0067%; no homozygotes.

Submission:

Labcorp Genetics (formerly Invitae), Labcorp
Classification: Uncertain significance. Last evaluated: 2025-11-30. Review status: criteria provided, single submitter. Criteria: Invitae Variant Classification Sherloc (09022015). Collection method: clinical testing. Allele origin: germline.
Comment: This sequence change replaces valine, which is neutral and non-polar, with isoleucine, which is neutral and non-polar, at codon 488 of the GUCY1A1 protein (p.Val488Ile). The frequency data for this variant in the population databases is considered unreliable, as metrics indicate poor data quality at this position in the gnomAD database. This variant has not been reported in the literature in individuals affected with GUCY1A1-related conditions. Invitae Evidence Modeling of protein sequence and biophysical properties (such as structural, functional, and spatial information, amino acid conservation, physicochemical variation, residue mobility, and thermodynamic stability) indicates that this missense variant is expected to disrupt GUCY1A1 protein function with a positive predictive value of 80%. In summary, the available evidence is currently insufficient to determine the role of this variant in disease. Therefore, it has been classified as a Variant of Uncertain Significance.